The following is an entry in ClinVar:

ClinVar aggregate classification (germline): Uncertain significance (1 of 4 stars; one submission).

Conditions:
Aicardi-Goutieres syndrome 4. Identifiers: Orphanet 51, MedGen C1835912, MONDO:0012472, OMIM 610333.

Allele frequency attached by ClinVar (database versions not stated): ExAC 0.00001; gnomAD exomes 0.00001.
gnomAD v4.1: 3 of 1,614,162 alleles (0.00019%); highest among the groups gnomAD compares: South Asian, 0.0033%; no homozygotes.

Submission:

Labcorp Genetics (formerly Invitae), Labcorp
Classification: Uncertain significance for Aicardi-Goutieres syndrome 4. Last evaluated: 2022-07-14. Review status: criteria provided, single submitter. Criteria: Invitae Variant Classification Sherloc (09022015). Collection method: clinical testing. Allele origin: germline.
Comment: This sequence change replaces threonine, which is neutral and polar, with isoleucine, which is neutral and non-polar, at codon 204 of the RNASEH2A protein (p.Thr204Ile). This variant is present in population databases (rs752708054, gnomAD 0.003%). This variant has not been reported in the literature in individuals affected with RNASEH2A-related conditions. Algorithms developed to predict the effect of missense changes on protein structure and function output the following: SIFT: "Tolerated"; PolyPhen-2: "Benign"; Align-GVGD: "Class C0". The isoleucine amino acid residue is found in multiple mammalian species, which suggests that this missense change does not adversely affect protein function. In summary, the available evidence is currently insufficient to determine the role of this variant in disease. Therefore, it has been classified as a Variant of Uncertain Significance.

NM_006397.3(RNASEH2A):c.611C>T (p.Thr204Ile)

Gene: RNASEH2A (ribonuclease H2 subunit A; plus strand). Cytogenetic location: 19p13.13.
Variant type: single nucleotide variant.
Coding change: c.611C>T on transcript NM_006397.3 (MANE Select); coding-DNA position 611, C replaced by T.
Protein change: p.Thr204Ile; replaces threonine 204 with isoleucine.
Molecular consequence: missense variant.
Genome position (GRCh38, 1-based): chr19:12,810,378, C>T. VCF-style: chr19-12810378-C-T. GRCh37 (hg19) VCF-style: chr19-12921192-C-T.
Other names: short protein forms T204I.
Identifiers: ClinVar variation 1964191 (VCV001964191.2), dbSNP rs752708054, ClinGen allele CA9231970.
Genomic context (GRCh38, chr19:12,810,378, plus strand): 5'-TGGCCCGGGACCAGGCCGTGAAGAAATGGCAGTTCGTGGAGAAACTGCAGGACTTGGATA[C>T]TGATTATGGCTCAGGCTACCCCAATGGTGAGCAGACACGTGACCATGGTACTAATGTTGA-3'
Protein context (NP_006388.2, residues 194-214): QFVEKLQDLD[Thr204Ile]DYGSGYPNDP